The following is an entry in ClinVar:

NM_018723.4(RBFOX1):c.1046C>A (p.Ala349Asp)

Genes: RBFOX1 (RNA binding fox-1 homolog 1; plus strand), LOC126862279 (MED14-independent group 3 enhancer GRCh37_chr16:7758954-7760153; plus strand). Cytogenetic location: 16p13.3.
Variant type: single nucleotide variant.
Coding change: c.1046C>A on transcript NM_018723.4 (MANE Select); coding-DNA position 1046, C replaced by A.
Protein change: p.Ala349Asp; replaces alanine 349 with aspartic acid.
Molecular consequence: missense variant.
Genome position (GRCh38, 1-based): chr16:7,709,106, C>A. VCF-style: chr16-7709106-C-A. GRCh37 (hg19) VCF-style: chr16-7759108-C-A.
Other names: c.965C>A, p.Ala322Asp (NM_001142333.2); c.1046C>A, p.Ala349Asp (NM_001142334.2); c.1175C>A, p.Ala392Asp (NM_001308117.1); c.1099C>A, p.Pro367Thr (NM_001364800.2); c.1109C>A, p.Ala370Asp (NM_145891.3, NM_145892.3); c.1162C>A, p.Pro388Thr (NM_145893.3); short protein forms A322D, A349D, A370D, A392D, P367T, P388T.
Identifiers: ClinVar variation 1014714 (VCV001014714.9), dbSNP rs2083432188, ClinGen allele CA394795581.

ClinVar aggregate classification (germline): Uncertain significance (1 of 4 stars; one submission).

Conditions:
Idiopathic generalized epilepsy. Also called: EIG; Generalised epilepsy. Identifiers: MedGen C0270850, MONDO:0005579, OMIM 600669.

Submission:

Labcorp Genetics (formerly Invitae), Labcorp
Classification: Uncertain significance for Idiopathic generalized epilepsy. Last evaluated: 2020-10-08. Review status: criteria provided, single submitter. Criteria: Invitae Variant Classification Sherloc (09022015). Collection method: clinical testing. Allele origin: germline.
Comment: This sequence change replaces alanine with aspartic acid at codon 370 of the RBFOX1 protein (p.Ala370Asp). The alanine residue is moderately conserved and there is a moderate physicochemical difference between alanine and aspartic acid. This variant is not present in population databases (ExAC no frequency). This variant has not been reported in the literature in individuals with RBFOX1-related conditions. Algorithms developed to predict the effect of missense changes on protein structure and function are either unavailable or do not agree on the potential impact of this missense change (SIFT: "Deleterious"; PolyPhen-2: "Possibly Damaging"; Align-GVGD: "Class C0"). In summary, the available evidence is currently insufficient to determine the role of this variant in disease. Therefore, it has been classified as a Variant of Uncertain Significance.